The following is an entry in ClinVar:

NM_001134363.3(RBM20):c.2592_2595del (p.Ser865fs)

Gene: RBM20 (RNA binding motif protein 20; plus strand). Cytogenetic location: 10q25.2.
Variant type: Deletion.
Coding change: c.2592_2595del on transcript NM_001134363.3 (MANE Select); coding-DNA positions 2592 to 2595, 4 bases deleted (ATCA; older notation c.2592_2595delATCA).
Protein change: p.Ser865fs; shifts the reading frame from serine 865.
Molecular consequence: frameshift variant.
Genome position (GRCh38, 1-based): chr10:110,820,113-110,820,116, ATCA deleted; deleting any 4 consecutive bases within chr10:110,820,110-110,820,116 gives the same sequence; the c. name uses the placement nearest the transcript's 3' end. VCF-style (leftmost placement, unchanged base first): chr10-110820109-CTCAA-C. GRCh37 (hg19) VCF-style: chr10-112579867-CTCAA-C.
Other names: short protein forms S865fs.
Identifiers: ClinVar variation 1185960 (VCV001185960.2), dbSNP rs2135118733, ClinGen allele CA2499220162.

ClinVar aggregate classification (germline): Uncertain significance (1 of 4 stars; one submission).

Submission:

GeneDx
Classification: Uncertain significance. Last evaluated: 2020-07-23. Review status: criteria provided, single submitter. Criteria: GeneDx Variant Classification Process June 2021. Collection method: clinical testing. Allele origin: germline. Affected: yes.
Comment: Has not been previously published as pathogenic or benign to our knowledge; Not observed in large population cohorts (Lek et al., 2016); Frameshift variant predicted to result in protein truncation or nonsense mediated decay in a gene for which loss-of-function is not a known mechanism of disease